The following is an entry in ClinVar:

ClinVar aggregate classification (germline): Conflicting classifications of pathogenicity. Review status: criteria provided, conflicting classifications (1 of 4 stars). 2 submissions from 2 submitters: Uncertain significance (1); Likely benign (1). Last evaluated 2026-07-06.

Conditions:
Familial thoracic aortic aneurysm and aortic dissection (TAAD). Also called: Thoracic aortic aneurysms and dissections. Identifiers: Orphanet 91387, MedGen C4707243, MONDO:0019625.
Marfan syndrome (MFS). Also called: MARFAN SYNDROME, TYPE I; Marfan syndrome, classic; Marfan syndrome type 1; Marfan's syndrome; FBN1-Related Marfan Syndrome. Identifiers: Orphanet 284963, Orphanet 558, MedGen C0024796, MONDO:0007947, OMIM 154700.

gnomAD v4.1: 3 of 1,614,132 alleles (0.00019%); highest among the groups gnomAD compares: Non-Finnish European, 0.00025%; no homozygotes.

Submissions (2):

Ambry Genetics
Classification: Uncertain significance for Familial thoracic aortic aneurysm and aortic dissection. Last evaluated: 2026-07-06. Review status: criteria provided, single submitter. Criteria: Ambry Variant Classification Scheme 2023. Collection method: clinical testing. Allele origin: germline.
Comment: The p.D1379E variant (also known as c.4137C>G), located in coding exon 33 of the FBN1 gene, results from a C to G substitution at nucleotide position 4137. The aspartic acid at codon 1379 is replaced by glutamic acid, an amino acid with highly similar properties. This amino acid position is conserved. In addition, this alteration is predicted to be tolerated by in silico analysis. Based on the available evidence, the clinical significance of this variant remains unclear.

Labcorp Genetics (formerly Invitae), Labcorp
Classification: Likely benign for Marfan syndrome; Familial thoracic aortic aneurysm and aortic dissection. Last evaluated: 2025-08-20. Review status: criteria provided, single submitter. Criteria: Invitae Variant Classification Sherloc (09022015). Collection method: clinical testing. Allele origin: germline.

NM_000138.5(FBN1):c.4137C>G (p.Asp1379Glu)

Gene: FBN1 (fibrillin 1; minus strand). Cytogenetic location: 15q21.1.
Variant type: single nucleotide variant.
Coding change: c.4137C>G on transcript NM_000138.5 (MANE Select); coding-DNA position 4137, C replaced by G.
Protein change: p.Asp1379Glu; replaces aspartic acid 1379 with glutamic acid.
Molecular consequence: missense variant.
Genome position (GRCh38, 1-based): chr15:48,474,328, G>C on the plus strand (C>G on the coding strand, the complement: FBN1 is on the minus strand). VCF-style: chr15-48474328-G-C. GRCh37 (hg19) VCF-style: chr15-48766525-G-C.
Other names: c.4137C>G, p.Asp1379Glu (NM_001406716.1); short protein forms D1379E.
Identifiers: ClinVar variation 4794352 (VCV004794352.2).